The following is an entry in ClinVar:

ClinVar aggregate classification (germline): Uncertain significance. Review status: criteria provided, multiple submitters, no conflicts (2 of 4 stars). 4 submissions from 4 submitters: Uncertain significance (4). Last evaluated 2023-08-25.

Conditions:
Hereditary nonpolyposis colorectal neoplasms. Identifiers: MedGen C0009405, MeSH D003123.
Hereditary cancer-predisposing syndrome. Also called: Neoplastic Syndromes, Hereditary; Tumor predisposition; Hereditary Cancer Syndrome; Hereditary neoplastic syndrome. Identifiers: Orphanet 140162, MedGen C0027672, MeSH D009386, MONDO:0015356.
Lynch syndrome 4 (LYNCH4). Also called: Colorectal cancer, hereditary nonpolyposis, type 4; Hereditary non-polyposis colorectal cancer, type 4. Identifiers: Orphanet 144, MedGen C1838333, MONDO:0013699, OMIM 614337. Disease mechanism: loss of function.

Submissions (4):

Baylor Genetics
Classification: Uncertain significance for Lynch syndrome 4. Last evaluated: 2023-08-25. Review status: criteria provided, single submitter. Criteria: ACMG Guidelines, 2015. Collection method: clinical testing. Allele origin: unknown.

Labcorp Genetics (formerly Invitae), Labcorp
Classification: Uncertain significance for Hereditary nonpolyposis colorectal neoplasms. Last evaluated: 2022-02-20. Review status: criteria provided, single submitter. Criteria: Invitae Variant Classification Sherloc (09022015). Collection method: clinical testing. Allele origin: germline.
Comment: This sequence change replaces threonine, which is neutral and polar, with alanine, which is neutral and non-polar, at codon 732 of the PMS2 protein (p.Thr732Ala). The frequency data for this variant in the population databases (gnomAD) is considered unreliable due to the presence of homologous sequence, such as pseudogenes or paralogs, in the genome. This variant has not been reported in the literature in individuals affected with PMS2-related conditions. ClinVar contains an entry for this variant (Variation ID: 141716). Advanced modeling of protein sequence and biophysical properties (such as structural, functional, and spatial information, amino acid conservation, physicochemical variation, residue mobility, and thermodynamic stability) performed at Invitae indicates that this missense variant is not expected to disrupt PMS2 protein function. Algorithms developed to predict the effect of sequence changes on RNA splicing suggest that this variant may create or strengthen a splice site. In summary, the available evidence is currently insufficient to determine the role of this variant in disease. Therefore, it has been classified as a Variant of Uncertain Significance.

GeneDx
Classification: Uncertain significance. Last evaluated: 2019-04-16. Review status: criteria provided, single submitter. Criteria: GeneDx Variant Classification Process June 2021. Collection method: clinical testing. Allele origin: germline. Affected: yes.
Comment: Not observed in large population cohorts (Lek et al., 2016)

Ambry Genetics
Classification: Uncertain significance for Hereditary cancer-predisposing syndrome. Last evaluated: 2014-01-07. Review status: criteria provided, single submitter. Criteria: Ambry Autosomal Dominant and X-Linked criteria (10/2015). Collection method: clinical testing. Allele origin: germline. Observed: 1 variant allele.
Comment: Ã¢â‚¬â€¹The p.T732A variant (also known as c.2194A>G) is located in coding exon 13 of the PMS2 gene. This alteration results from an A to G substitution at nucleotide position 2194. The threonine at codon 732 is replaced by alanine, an amino acid with some similar properties. This variant was not reported in population-based cohorts in the following databases: Database of Single Nucleotide Polymorphisms (dbSNP), NHLBI Exome Sequencing Project (ESP) and 1000 Genomes Project. To date, this alteration has been detected with an allele frequency of approximately 0.01% (greater than 11,000 alleles tested) in our clinical cohort (includes this individual). Based on protein sequence alignment, this amino acid position is highly conserved in available vertebrate species. In addition, this alteration is predicted to be possibly damaging and deleterious by PolyPhen and SIFT in silico analyses, respectively. Since supporting evidence is limited at this time, the clinical significance of p.T732A remains unclear.

NM_000535.7(PMS2):c.2194A>G (p.Thr732Ala)

Gene: PMS2 (PMS1 homolog 2, mismatch repair system component; minus strand). Cytogenetic location: 7p22.1.
Variant type: single nucleotide variant.
Coding change: c.2194A>G on transcript NM_000535.7 (MANE Select); coding-DNA position 2194, A replaced by G.
Protein change: p.Thr732Ala; replaces threonine 732 with alanine.
Molecular consequence: missense variant. On other transcripts: non-coding transcript variant (1).
Genome position (GRCh38, 1-based): chr7:5,978,677, T>C on the plus strand (A>G on the coding strand, the complement: PMS2 is on the minus strand). VCF-style: chr7-5978677-T-C. GRCh37 (hg19) VCF-style: chr7-6018308-T-C.
Other names: c.1789A>G, p.Thr597Ala (NM_001322003.2, NM_001322004.2, NM_001322005.2 and 1 more transcripts); c.2038A>G, p.Thr680Ala (NM_001322006.2); c.1876A>G, p.Thr626Ala (NM_001322007.2, NM_001322008.2); c.1633A>G, p.Thr545Ala (NM_001322010.2); c.1261A>G, p.Thr421Ala (NM_001322011.2, NM_001322012.2); c.1621A>G, p.Thr541Ala (NM_001322013.2); c.2194A>G, p.Thr732Ala (NM_001322014.2); c.1885A>G, p.Thr629Ala (NM_001322015.2); short protein forms T732A, T626A, T680A, T421A, T545A, T597A, T629A, T541A.
Identifiers: ClinVar variation 141716 (VCV000141716.13), dbSNP rs587781958, ClinGen allele CA011066.
Genomic context (GRCh38, chr7:5,978,677, plus strand): 5'-CAAAGCCATTCTTTCTAAATATTTCCAGATTTTCTATCAGAACAGCTTCATTAACAGCAG[T>C]TAAGTTGAGAGTCTGAGGTCTGAAAAACACAAAAATGATTCAAACCATATCCTGAAGTCA-3'
Protein context (NP_000526.2, residues 722-742): RLIAPQTLNL[Thr732Ala]AVNEAVLIEN